The following is an entry in ClinVar:

ClinVar aggregate classification (germline): Likely benign (1 of 4 stars; one submission).

Submission:

CeGaT Center for Human Genetics Tuebingen
Classification: Likely benign. Last evaluated: 2025-10-01. Review status: criteria provided, single submitter. Criteria: CeGaT Center For Human Genetics Tuebingen Variant Classification Criteria Version 2. Collection method: clinical testing. Allele origin: germline. Affected: yes. Observed: 2 variant alleles.
Comment: MUC4: PM2:Supporting, BP4, BP7

NM_018406.7(MUC4):c.10926C>A (p.Ser3642=)

Gene: MUC4 (mucin 4, cell surface associated). Cytogenetic location: 3q29.
Variant type: single nucleotide variant.
Coding change: c.10926C>A on transcript NM_018406.7 (MANE Select); coding-DNA position 10926, C replaced by A.
Protein change: p.Ser3642=; no amino-acid change (serine 3642 retained).
Molecular consequence: synonymous variant. On other transcripts: intron variant (2).
Genome position (GRCh38, 1-based): chr3:195,780,654, G>T on the plus strand (C>A on the coding strand, the complement: MUC4 is on the minus strand). VCF-style: chr3-195780654-G-T. GRCh37 (hg19) VCF-style: chr3-195507525-G-T.
Other names: c.83-6349C>A (NM_138297.5); c.83-2199C>A (NM_004532.6).
Identifiers: ClinVar variation 3388697 (VCV003388697.14).